The following is an entry in ClinVar:

NM_006118.4(HAX1):c.226C>T (p.His76Tyr)

Gene: HAX1 (HCLS1 associated protein X-1; plus strand). Cytogenetic location: 1q21.3.
Variant type: single nucleotide variant.
Coding change: c.226C>T on transcript NM_006118.4 (MANE Select); coding-DNA position 226, C replaced by T.
Protein change: p.His76Tyr; replaces histidine 76 with tyrosine.
Molecular consequence: missense variant.
Genome position (GRCh38, 1-based): chr1:154,273,508, C>T. VCF-style: chr1-154273508-C-T. GRCh37 (hg19) VCF-style: chr1-154245984-C-T.
Other names: c.82C>T, p.His28Tyr (NM_001018837.2); short protein forms H28Y, H76Y.
Identifiers: ClinVar variation 1338173 (VCV001338173.4), dbSNP rs1684867356, ClinGen allele CA342591557.

ClinVar aggregate classification (germline): Uncertain significance (1 of 4 stars; one submission).

Allele frequency attached by ClinVar (database versions not stated): gnomAD exomes below 0.00001; gnomAD 0.00001.

Submission:

Genetic Services Laboratory, University of Chicago
Classification: Uncertain significance. Last evaluated: 2021-12-02. Review status: criteria provided, single submitter. Criteria: ACMG Guidelines, 2015. Collection method: clinical testing. Allele origin: germline. Affected: no.
Comment: DNA sequence analysis of the HAX1 gene demonstrated a sequence change, c.226C>T, in exon 2 that results in an amino acid change, p.His76Tyr. This sequence change does not appear to have been previously described in individuals with HAX1-related disorders and has also not been described in population databases such as ExAC and gnomAD. The p.His76Tyr change affects a moderately conserved amino acid residue located in a domain of the HAX1 protein that is known to be functional. In-silico pathogenicity prediction tools (SIFT, PolyPhen2, Align GVGD, REVEL) provide contradictory results for the p.His76Tyr substitution. Due to insufficient evidences and the lack of functional studies, the clinical significance of the p.His76Tyr change remains unknown at this time.